The following is an entry in ClinVar:

NM_203447.4(DOCK8):c.5542T>C (p.Ser1848Pro)

Gene: DOCK8 (dedicator of cytokinesis 8; plus strand). Cytogenetic location: 9p24.3.
Variant type: single nucleotide variant.
Coding change: c.5542T>C on transcript NM_203447.4 (MANE Select); coding-DNA position 5542, T replaced by C.
Protein change: p.Ser1848Pro; replaces serine 1848 with proline.
Molecular consequence: missense variant.
Genome position (GRCh38, 1-based): chr9:443,478, T>C. VCF-style: chr9-443478-T-C. GRCh37 (hg19) VCF-style: chr9-443478-T-C.
Other names: c.5242T>C, p.Ser1748Pro (NM_001190458.2); c.5338T>C, p.Ser1780Pro (NM_001193536.2); short protein forms S1748P, S1780P, S1848P.
Identifiers: ClinVar variation 1017681 (VCV001017681.8), dbSNP rs1424175961, ClinGen allele CA372768669.

ClinVar aggregate classification (germline): Uncertain significance (1 of 4 stars; one submission).

Conditions:
Combined immunodeficiency due to DOCK8 deficiency (HIES2). Also called: HIES autosomal recessive; DOCK8 Deficiency; Hyper-IgE recurrent infection syndrome, autosomal recessive; HYPER-IgE RECURRENT INFECTION SYNDROME 2, AUTOSOMAL RECESSIVE; HYPER-IgE SYNDROME 2, AUTOSOMAL RECESSIVE, WITH RECURRENT INFECTIONS. Identifiers: Orphanet 217390, MedGen C4722305, MONDO:0009478, OMIM 243700.

Allele frequency attached by ClinVar (database versions not stated): gnomAD 0.00001; gnomAD exomes 0.00001; TOPMed 0.00001.
gnomAD v4.1: 11 of 1,613,972 alleles (0.00068%); highest among the groups gnomAD compares: Non-Finnish European, 0.00093%; no homozygotes.

Submission:

Labcorp Genetics (formerly Invitae), Labcorp
Classification: Uncertain significance for Combined immunodeficiency due to DOCK8 deficiency. Last evaluated: 2024-11-10. Review status: criteria provided, single submitter. Criteria: Invitae Variant Classification Sherloc (09022015). Collection method: clinical testing. Allele origin: germline.
Comment: This sequence change replaces serine, which is neutral and polar, with proline, which is neutral and non-polar, at codon 1848 of the DOCK8 protein (p.Ser1848Pro). This variant is present in population databases (no rsID available, gnomAD 0.002%). This variant has not been reported in the literature in individuals affected with DOCK8-related conditions. ClinVar contains an entry for this variant (Variation ID: 1017681). Invitae Evidence Modeling of protein sequence and biophysical properties (such as structural, functional, and spatial information, amino acid conservation, physicochemical variation, residue mobility, and thermodynamic stability) indicates that this missense variant is expected to disrupt DOCK8 protein function with a positive predictive value of 80%. In summary, the available evidence is currently insufficient to determine the role of this variant in disease. Therefore, it has been classified as a Variant of Uncertain Significance.